The following is an entry in ClinVar:

NM_000222.3(KIT):c.1900C>T (p.Arg634Trp)

Gene: KIT (KIT proto-oncogene, receptor tyrosine kinase; plus strand). Cytogenetic location: 4q12.
Variant type: single nucleotide variant.
Coding change: c.1900C>T on transcript NM_000222.3 (MANE Select); coding-DNA position 1900, C replaced by T.
Protein change: p.Arg634Trp; replaces arginine 634 with tryptophan.
Molecular consequence: missense variant.
Genome position (GRCh38, 1-based): chr4:54,728,031, C>T. VCF-style: chr4-54728031-C-T. GRCh37 (hg19) VCF-style: chr4-55594197-C-T.
Other names: c.1888C>T, p.Arg630Trp (NM_001093772.2, NM_001385286.1); c.1903C>T, p.Arg635Trp (NM_001385284.1, NM_001385290.1); c.1900C>T, p.Arg634Trp (NM_001385285.1); c.1891C>T, p.Arg631Trp (NM_001385288.1, NM_001385292.1); short protein forms R634W, R630W, R631W, R635W.
Identifiers: ClinVar variation 409732 (VCV000409732.15), dbSNP rs144369407, ClinGen allele CA2923610.
Genomic context (GRCh38, chr4:54,728,031, plus strand): 5'-CAGTTGTGCTTTTTGCTAAAATGCATGTTTCCAATTTTAGCGAGTGCCCATTTGACAGAA[C>T]GGGAAGCCCTCATGTCTGAACTCAAAGTCCTGAGTTACCTTGGTAATCACATGAATATTG-3'
Protein context (NP_000213.1, residues 624-644): MLKPSAHLTE[Arg634Trp]EALMSELKVL

ClinVar aggregate classification (germline): Uncertain significance. Review status: criteria provided, multiple submitters, no conflicts (2 of 4 stars). 5 submissions from 5 submitters: Uncertain significance (5). Last evaluated 2026-01-25.

Conditions:
Germ cell tumor of testis (TGCT). Also called: GERM CELL TUMOR, SOMATIC; Testicular germ cell tumor. Identifiers: Orphanet 363504, MedGen C1336708, MONDO:0010108, OMIM 273300.
Piebaldism. Also called: Piebald skin depigmentation. Identifiers: Orphanet 2884, MedGen C0080024, MONDO:0008244, OMIM 172800, HP:0007544.
Cutaneous mastocytosis. Also called: MASTOCYTOSIS, MACULOPAPULAR CUTANEOUS. Identifiers: Orphanet 66646, MedGen C1136033, MONDO:0019023, OMIM 154800, HP:0200151.
Gastrointestinal stromal tumor. Also called: Gastrointestinal stromal tumor, somatic; Gastrointestinal stroma tumor. Identifiers: Orphanet 44890, MedGen C0238198, MeSH D046152, MONDO:0011719, OMIM 606764, HP:0100723.
Acute myeloid leukemia (AML). Also called: Leukemia, acute myeloid, somatic; Leukemia, acute myelogenous, somatic; Acute myeloid leukemia, adult; AML adult; Acute non-lymphocytic leukemia; Acute granulocytic leukemia. Identifiers: Orphanet 519, MedGen C0023467, MeSH D015470, MONDO:0018874, OMIM 601626, HP:0004808. Disease mechanism: Constitutively activated FLT3.
Hereditary cancer-predisposing syndrome. Also called: Hereditary Cancer Syndrome; Tumor predisposition; Neoplastic Syndromes, Hereditary; Hereditary neoplastic syndrome. Identifiers: Orphanet 140162, MedGen C0027672, MeSH D009386, MONDO:0015356.

Allele frequency attached by ClinVar (database versions not stated): TOPMed 0.00001; ESP Exome Variant Server 0.00008.

Submissions (5):

Labcorp Genetics (formerly Invitae), Labcorp
Classification: Uncertain significance for Gastrointestinal stromal tumor. Last evaluated: 2026-01-25. Review status: criteria provided, single submitter. Criteria: Invitae Variant Classification Sherloc (09022015). Collection method: clinical testing. Allele origin: germline.
Comment: This sequence change replaces arginine, which is basic and polar, with tryptophan, which is neutral and slightly polar, at codon 634 of the KIT protein (p.Arg634Trp). The frequency data for this variant in the population databases is considered unreliable, as metrics indicate poor data quality at this position in the gnomAD database. This missense change has been observed in individual(s) with chronic myelomonocytic leukemia, familial mastocytosis, systemic mastocytosis and/or acral melanoma (PMID: 15790786, 25243845, 28327988, 28520972, 35753512). ClinVar contains an entry for this variant (Variation ID: 409732). An algorithm developed to predict the effect of missense changes on protein structure and function (PolyPhen-2) suggests that this variant is likely to be disruptive. Experimental studies have shown that this missense change affects KIT function (PMID: 15790786). In summary, the available evidence is currently insufficient to determine the role of this variant in disease. Therefore, it has been classified as a Variant of Uncertain Significance.

Ambry Genetics
Classification: Uncertain significance for Hereditary cancer-predisposing syndrome. Last evaluated: 2024-02-23. Review status: criteria provided, single submitter. Criteria: Ambry Variant Classification Scheme 2023. Collection method: clinical testing. Allele origin: germline.
Comment: The p.R634W variant (also known as c.1900C>T), located in coding exon 13 of the KIT gene, results from a C to T substitution at nucleotide position 1900. The arginine at codon 634 is replaced by tryptophan, an amino acid with dissimilar properties. This alteration has been identified in a family with urticaria pigmentosa (Pollard WL et al. Pediatr Dermatol Sep;32:267-70) and in individuals diagnosed with systemic mastocytosis (Astle JM et al. Lab Med, 2017 Aug;48:253-257; Similuk MN et al. J Allergy Clin Immunol, 2022 Oct;150:947-954). This amino acid position is not well conserved in available vertebrate species. In addition, the in silico prediction for this alteration is inconclusive. Since supporting evidence is limited at this time, the clinical significance of this alteration remains unclear.

Fulgent Genetics
Classification: Uncertain significance for Cutaneous mastocytosis; Piebaldism; Germ cell tumor of testis; Acute myeloid leukemia; Gastrointestinal stromal tumor. Last evaluated: 2024-01-19. Review status: criteria provided, single submitter. Criteria: ACMG Guidelines, 2015. Collection method: clinical testing. Allele origin: germline.

Baylor Genetics
Classification: Uncertain significance for Gastrointestinal stromal tumor. Last evaluated: 2023-06-23. Review status: criteria provided, single submitter. Criteria: ACMG Guidelines, 2015. Collection method: clinical testing. Allele origin: unknown.

Blueprint Genetics
Classification: Uncertain significance. Last evaluated: 2021-12-23. Review status: criteria provided, single submitter. Criteria: ACMG Guidelines, 2015. Collection method: clinical testing. Allele origin: germline.

Literature cited by the submitters: PubMed 15790786 (cited by Labcorp Genetics (formerly Invitae), Labcorp); PubMed 25243845 (cited by Labcorp Genetics (formerly Invitae), Labcorp and Ambry Genetics); PubMed 28327988 (cited by Labcorp Genetics (formerly Invitae), Labcorp); PubMed 28520972 (cited by Labcorp Genetics (formerly Invitae), Labcorp and Ambry Genetics); PubMed 35753512 (cited by Labcorp Genetics (formerly Invitae), Labcorp and Ambry Genetics).